The following is an entry in ClinVar:

ClinVar aggregate classification (germline): Uncertain significance. Review status: criteria provided, multiple submitters, no conflicts (2 of 4 stars). 3 submissions from 3 submitters: Uncertain significance (3). Last evaluated 2025-07-08.

Conditions:
Cardiovascular phenotype. Identifiers: MedGen CN230736.
Hereditary cancer-predisposing syndrome. Also called: Tumor predisposition; Hereditary Cancer Syndrome; Neoplastic Syndromes, Hereditary; Hereditary neoplastic syndrome. Identifiers: Orphanet 140162, MedGen C0027672, MeSH D009386, MONDO:0015356.
Neurofibromatosis, type 1 (NF1). Also called: VON RECKLINGHAUSEN DISEASE; Peripheral type neurofibromatosis; Neurofibromatosis, type I; NEUROFIBROMATOSIS, TYPE I, SOMATIC. Identifiers: Orphanet 636, MedGen C0027831, MONDO:0018975, OMIM 162200. Disease mechanism: loss of function.

gnomAD v4.1: 3 of 1,614,066 alleles (0.00019%); highest among the groups gnomAD compares: Non-Finnish European, 0.00025%; no homozygotes.

Submissions (3):

Mayo Clinic Laboratories, Mayo Clinic
Classification: Uncertain significance. Last evaluated: 2025-07-08. Review status: criteria provided, single submitter. Criteria: ACMG Guidelines, 2015. Collection method: clinical testing. Allele origin: germline. Observed: 1 variant allele.
Comment: PM2_supporting

Ambry Genetics
Classification: Uncertain significance for Cardiovascular phenotype; Hereditary cancer-predisposing syndrome. Last evaluated: 2024-11-21. Review status: criteria provided, single submitter. Criteria: Ambry Variant Classification Scheme 2023. Collection method: clinical testing. Allele origin: germline.
Comment: The p.I275F variant (also known as c.823A>T), located in coding exon 8 of the NF1 gene, results from an A to T substitution at nucleotide position 823. The isoleucine at codon 275 is replaced by phenylalanine, an amino acid with highly similar properties. This amino acid position is not well conserved in available vertebrate species. In addition, the in silico prediction for this alteration is inconclusive. Based on the available evidence, the clinical significance of this variant remains unclear.

Labcorp Genetics (formerly Invitae), Labcorp
Classification: Uncertain significance for Neurofibromatosis, type 1. Last evaluated: 2022-10-26. Review status: criteria provided, single submitter. Criteria: Invitae Variant Classification Sherloc (09022015). Collection method: clinical testing. Allele origin: germline.
Comment: In summary, the available evidence is currently insufficient to determine the role of this variant in disease. Therefore, it has been classified as a Variant of Uncertain Significance. Algorithms developed to predict the effect of sequence changes on RNA splicing suggest that this variant may create or strengthen a splice site. Algorithms developed to predict the effect of missense changes on protein structure and function (SIFT, PolyPhen-2, Align-GVGD) all suggest that this variant is likely to be tolerated. ClinVar contains an entry for this variant (Variation ID: 216415). This variant has not been reported in the literature in individuals affected with NF1-related conditions. This variant is not present in population databases (gnomAD no frequency). This sequence change replaces isoleucine, which is neutral and non-polar, with phenylalanine, which is neutral and non-polar, at codon 275 of the NF1 protein (p.Ile275Phe).

NM_001042492.3(NF1):c.823A>T (p.Ile275Phe)

Gene: NF1 (neurofibromin 1; plus strand). Cytogenetic location: 17q11.2.
Variant type: single nucleotide variant.
Coding change: c.823A>T on transcript NM_001042492.3 (MANE Select); coding-DNA position 823, A replaced by T.
Protein change: p.Ile275Phe; replaces isoleucine 275 with phenylalanine.
Molecular consequence: missense variant.
Genome position (GRCh38, 1-based): chr17:31,182,600, A>T. VCF-style: chr17-31182600-A-T. GRCh37 (hg19) VCF-style: chr17-29509618-A-T.
Other names: p.Ile275Phe; c.823A>T, p.Ile275Phe (NM_000267.4, NM_001128147.3); short protein forms I275F.
Identifiers: ClinVar variation 216415 (VCV000216415.7), dbSNP rs786202464, ClinGen allele CA339306.